The following is an entry in ClinVar:

ClinVar aggregate classification (germline): Pathogenic (1 of 4 stars; one submission).

gnomAD v4.1: 1 of 1,613,978 alleles (0.000062%); highest among the groups gnomAD compares: Non-Finnish European, 0.000085%; no homozygotes.

Submission:

Labcorp Genetics (formerly Invitae), Labcorp
Classification: Pathogenic. Last evaluated: 2025-12-21. Review status: criteria provided, single submitter. Criteria: Invitae Variant Classification Sherloc (09022015). Collection method: clinical testing. Allele origin: germline.
Comment: This sequence change creates a premature translational stop signal (p.Gln1749*) in the VPS13C gene. It is expected to result in an absent or disrupted protein product. Loss-of-function variants in VPS13C are known to be pathogenic (PMID: 26942284, 34875562). This variant is not present in population databases (gnomAD no frequency). This variant has not been reported in the literature in individuals affected with VPS13C-related conditions. For these reasons, this variant has been classified as Pathogenic.

Literature cited by the submitters: PubMed 26942284; PubMed 34875562.

NM_020821.3(VPS13C):c.5245C>T (p.Gln1749Ter)

Gene: VPS13C (vacuolar protein sorting 13 homolog C; minus strand). Cytogenetic location: 15q22.2.
Variant type: single nucleotide variant.
Coding change: c.5245C>T on transcript NM_020821.3 (MANE Select); coding-DNA position 5245, C replaced by T.
Protein change: p.Gln1749Ter; replaces glutamine 1749 with a stop codon.
Molecular consequence: nonsense.
Genome position (GRCh38, 1-based): chr15:61,941,971, G>A on the plus strand (C>T on the coding strand, the complement: VPS13C is on the minus strand). VCF-style: chr15-61941971-G-A. GRCh37 (hg19) VCF-style: chr15-62234170-G-A.
Other names: c.5245C>T, p.Gln1749Ter (NM_001018088.3); c.5116C>T, p.Gln1706Ter (NM_017684.5, NM_018080.4); short protein forms Q1706*, Q1749*.
Identifiers: ClinVar variation 4732763 (VCV004732763.1).